The following is an entry in ClinVar:

NM_018718.3(CEP41):c.1033G>A (p.Ala345Thr)

Gene: CEP41 (centrosomal protein 41; minus strand). Cytogenetic location: 7q32.2.
Variant type: single nucleotide variant.
Coding change: c.1033G>A on transcript NM_018718.3 (MANE Select); coding-DNA position 1033, G replaced by A.
Protein change: p.Ala345Thr; replaces alanine 345 with threonine.
Molecular consequence: missense variant. On other transcripts: non-coding transcript variant (1).
Genome position (GRCh38, 1-based): chr7:130,398,980, C>T on the plus strand (G>A on the coding strand, the complement: CEP41 is on the minus strand). VCF-style: chr7-130398980-C-T. GRCh37 (hg19) VCF-style: chr7-130038821-C-T.
Other names: c.1033G>A (NM_018718.1); c.817G>A, p.Ala273Thr (NM_001257158.2); c.769G>A, p.Ala257Thr (NM_001257159.2); short protein forms A345T, A257T, A273T.
Identifiers: ClinVar variation 938718 (VCV000938718.6), dbSNP rs184146463, ClinGen allele CA4485402.

ClinVar aggregate classification (germline): Conflicting classifications of pathogenicity. Review status: criteria provided, conflicting classifications (1 of 4 stars). 2 submissions from 2 submitters: Uncertain significance (1); Likely benign (1). Last evaluated 2023-09-14.

Conditions:
Joubert syndrome 15 (JBTS15). Identifiers: Orphanet 475, MedGen C3280897, MONDO:0013763, OMIM 614464.
Inborn genetic diseases. Identifiers: MedGen C0950123, MeSH D030342.

Allele frequency attached by ClinVar (database versions not stated): TOPMed 0.00002.

Submissions (2):

Ambry Genetics
Classification: Likely benign for Inborn genetic diseases. Last evaluated: 2023-09-14. Review status: criteria provided, single submitter. Criteria: Ambry Variant Classification Scheme 2023. Collection method: clinical testing. Allele origin: germline.

Labcorp Genetics (formerly Invitae), Labcorp
Classification: Uncertain significance for Joubert syndrome 15. Last evaluated: 2022-07-26. Review status: criteria provided, single submitter. Criteria: Invitae Variant Classification Sherloc (09022015). Collection method: clinical testing. Allele origin: germline.
Comment: This sequence change replaces alanine, which is neutral and non-polar, with threonine, which is neutral and polar, at codon 345 of the CEP41 protein (p.Ala345Thr). This variant is present in population databases (rs184146463, gnomAD 0.004%). This variant has not been reported in the literature in individuals affected with CEP41-related conditions. ClinVar contains an entry for this variant (Variation ID: 938718). Algorithms developed to predict the effect of missense changes on protein structure and function output the following: SIFT: "Tolerated"; PolyPhen-2: "Benign"; Align-GVGD: "Class C0". The threonine amino acid residue is found in multiple mammalian species, which suggests that this missense change does not adversely affect protein function. In summary, the available evidence is currently insufficient to determine the role of this variant in disease. Therefore, it has been classified as a Variant of Uncertain Significance.